The following is an entry in ClinVar:

ClinVar aggregate classification (germline): Uncertain significance (1 of 4 stars; one submission).

Conditions:
Epidermolysis bullosa simplex with nail dystrophy (EBS5D). Identifiers: MedGen C4225309, MONDO:0014661, OMIM 616487.
Epidermolysis bullosa simplex 5C, with pyloric atresia (EBS5C). Also called: PLEC-Related Epidermolysis Bullosa with Pyloric Atresia; Epidermolysis bullosa simplex with pyloric atresia; PLEC1-Related Epidermolysis Bullosa with Pyloric Atresia. Identifiers: Orphanet 158684, MedGen C2677349, MONDO:0012807, OMIM 612138.
Autosomal recessive limb-girdle muscular dystrophy type 2Q (LGMDR17). Also called: MUSCULAR DYSTROPHY, LIMB-GIRDLE, AUTOSOMAL RECESSIVE 17. Identifiers: Orphanet 254361, MedGen C3150989, MONDO:0013390, OMIM 613723.
Epidermolysis bullosa simplex, Ogna type (EBS5A). Also called: Pidermolysis bullosa simplex 5A, Ogna type; EPIDERMOLYSIS BULLOSA SIMPLEX 5A, OGNA TYPE. Identifiers: Orphanet 79401, MedGen C0432317, MONDO:0007555, OMIM 131950.
Epidermolysis bullosa simplex 5B, with muscular dystrophy (EBS5B). Also called: EPIDERMOLYSIS BULLOSA SIMPLEX AND LIMB-GIRDLE MUSCULAR DYSTROPHY; Epidermolysis bullosa simplex with muscular dystrophy. Identifiers: Orphanet 257, MedGen C2931072, MONDO:0009181, OMIM 226670.

Allele frequency attached by ClinVar (database versions not stated): TOPMed 0.00001; ExAC 0.00002; gnomAD exomes below 0.00001.
gnomAD v4.1: 5 of 1,584,454 alleles (0.00032%); highest among the groups gnomAD compares: Non-Finnish European, 0.00034%; no homozygotes.

Submission:

Labcorp Genetics (formerly Invitae), Labcorp
Classification: Uncertain significance for Autosomal recessive limb-girdle muscular dystrophy type 2Q; Epidermolysis bullosa simplex, Ogna type; Epidermolysis bullosa simplex with nail dystrophy; Epidermolysis bullosa simplex 5C, with pyloric atresia; Epidermolysis bullosa simplex 5B, with muscular dystrophy. Last evaluated: 2023-06-09. Review status: criteria provided, single submitter. Criteria: Invitae Variant Classification Sherloc (09022015). Collection method: clinical testing. Allele origin: germline.
Comment: In summary, the available evidence is currently insufficient to determine the role of this variant in disease. Therefore, it has been classified as a Variant of Uncertain Significance. Advanced modeling of protein sequence and biophysical properties (such as structural, functional, and spatial information, amino acid conservation, physicochemical variation, residue mobility, and thermodynamic stability) has been performed at Invitae for this missense variant, however the output from this modeling did not meet the statistical confidence thresholds required to predict the impact of this variant on PLEC protein function. This variant has not been reported in the literature in individuals affected with PLEC-related conditions. This variant is present in population databases (rs782558197, gnomAD 0.002%). This sequence change replaces glutamic acid, which is acidic and polar, with lysine, which is basic and polar, at codon 2398 of the PLEC protein (p.Glu2398Lys).

NM_201384.3(PLEC):c.7111G>A (p.Glu2371Lys)

Gene: PLEC (plectin; minus strand). Cytogenetic location: 8q24.3.
Variant type: single nucleotide variant.
Coding change: c.7111G>A on transcript NM_201384.3 (MANE Select); coding-DNA position 7111, G replaced by A.
Protein change: p.Glu2371Lys; replaces glutamic acid 2371 with lysine.
Molecular consequence: missense variant. On other transcripts: intron variant (1).
Genome position (GRCh38, 1-based): chr8:143,922,818, C>T on the plus strand (G>A on the coding strand, the complement: PLEC is on the minus strand). VCF-style: chr8-143922818-C-T. GRCh37 (hg19) VCF-style: chr8-144996986-C-T.
Other names: c.7192G>A, p.Glu2398Lys (NM_000445.5); c.7069G>A, p.Glu2357Lys (NM_201378.4); c.7045G>A, p.Glu2349Lys (NM_201379.3); c.7522G>A, p.Glu2508Lys (NM_201380.4); c.7015G>A, p.Glu2339Lys (NM_201381.3); c.7111G>A, p.Glu2371Lys (NM_201382.4); c.7123G>A, p.Glu2375Lys (NM_201383.3); c.4126-423G>A (NM_001410941.1); short protein forms E2371K, E2339K, E2349K, E2375K, E2398K, E2508K, E2357K.
Identifiers: ClinVar variation 2936063 (VCV002936063.3), dbSNP rs782558197, ClinGen allele CA4925757.